The following is an entry in ClinVar:

ClinVar aggregate classification (germline): Likely benign. Review status: criteria provided, multiple submitters, no conflicts (2 of 4 stars). 2 submissions from 2 submitters: Likely benign (2). Last evaluated 2025-09-01.

Allele frequency attached by ClinVar (database versions not stated): gnomAD 0.00001; gnomAD exomes 0.00001; ExAC 0.00002; TOPMed 0.00002.
gnomAD v4.1: 21 of 1,608,392 alleles (0.0013%); highest among the groups gnomAD compares: Admixed American, 0.0017%; no homozygotes.

Submissions (2):

CeGaT Center for Human Genetics Tuebingen
Classification: Likely benign. Last evaluated: 2025-09-01. Review status: criteria provided, single submitter. Criteria: CeGaT Center For Human Genetics Tuebingen Variant Classification Criteria Version 2. Collection method: clinical testing. Allele origin: germline. Affected: yes. Observed: 1 variant allele.
Comment: SLC12A2: BP4, BP7

Labcorp Genetics (formerly Invitae), Labcorp
Classification: Likely benign. Last evaluated: 2022-07-30. Review status: criteria provided, single submitter. Criteria: Invitae Variant Classification Sherloc (09022015). Collection method: clinical testing. Allele origin: germline.

NM_001046.3(SLC12A2):c.2880C>T (p.Ser960=)

Gene: SLC12A2 (solute carrier family 12 member 2; plus strand). Cytogenetic location: 5q23.3.
Variant type: single nucleotide variant.
Coding change: c.2880C>T on transcript NM_001046.3 (MANE Select); coding-DNA position 2880, C replaced by T.
Protein change: p.Ser960=; no amino-acid change (serine 960 retained).
Molecular consequence: synonymous variant. On other transcripts: non-coding transcript variant (1).
Genome position (GRCh38, 1-based): chr5:128,174,617, C>T. VCF-style: chr5-128174617-C-T. GRCh37 (hg19) VCF-style: chr5-127510309-C-T.
Other names: c.2880C>T, p.Ser960= (NM_001256461.2).
Identifiers: ClinVar variation 2422119 (VCV002422119.14), dbSNP rs780180222, ClinGen allele CA3393496.
Genomic context (GRCh38, chr5:128,174,617, plus strand): 5'-ACAAGAGAAATCTCCTGGCACCAAGGATGTGGTAGTAAGTGTGGAATATAGTAAAAAGTC[C>T]GATTTAGATACTTCCAAACCACTCAGTGAAAAACCAATTACACACAAAGGTAATTTTCAT-3'
Protein context (NP_001037.1, residues 950-970): VVVSVEYSKK[Ser960=]DLDTSKPLSE